The following is an entry in ClinVar:

NM_182961.4(SYNE1):c.22592A>T (p.Asp7531Val)

Gene: SYNE1 (spectrin repeat containing nuclear envelope protein 1; minus strand). Cytogenetic location: 6q25.2.
Variant type: single nucleotide variant.
Coding change: c.22592A>T on transcript NM_182961.4 (MANE Select); coding-DNA position 22592, A replaced by T.
Protein change: p.Asp7531Val; replaces aspartic acid 7531 with valine.
Molecular consequence: missense variant.
Genome position (GRCh38, 1-based): chr6:152,208,204, T>A on the plus strand (A>T on the coding strand, the complement: SYNE1 is on the minus strand). VCF-style: chr6-152208204-T-A. GRCh37 (hg19) VCF-style: chr6-152529339-T-A.
Other names: c.22379A>T, p.Asp7460Val (NM_033071.5); short protein forms D7531V, D7460V.
Identifiers: ClinVar variation 1351055 (VCV001351055.6), dbSNP rs2153409793, ClinGen allele CA366096776.

ClinVar aggregate classification (germline): Uncertain significance (1 of 4 stars; one submission).

Conditions:
Autosomal recessive ataxia, Beauce type. Also called: SYNE1-Related Autosomal Recessive Cerebellar Ataxia; SYNE1 Deficiency; Spinocerebellar ataxia, autosomal recessive 8; ATAXIA, RECESSIVE, OF BEAUCE. Identifiers: Orphanet 88644, MedGen C1853116, MONDO:0012549, OMIM 610743.
Emery-Dreifuss muscular dystrophy 4, autosomal dominant (EDMD4). Also called: EMERY-DREIFUSS MUSCULAR DYSTROPHY 4 WITH VARIABLE FEATURES. Identifiers: Orphanet 261, MedGen C2751807, MONDO:0013071, OMIM 612998.

gnomAD v4.1: 1 of 1,613,680 alleles (0.000062%); highest among the groups gnomAD compares: Non-Finnish European, 0.000085%; no homozygotes.

Submission:

Labcorp Genetics (formerly Invitae), Labcorp
Classification: Uncertain significance for Emery-Dreifuss muscular dystrophy 4, autosomal dominant; Autosomal recessive ataxia, Beauce type. Last evaluated: 2021-11-16. Review status: criteria provided, single submitter. Criteria: Invitae Variant Classification Sherloc (09022015). Collection method: clinical testing. Allele origin: germline.
Comment: In summary, the available evidence is currently insufficient to determine the role of this variant in disease. Therefore, it has been classified as a Variant of Uncertain Significance. Algorithms developed to predict the effect of missense changes on protein structure and function (SIFT, PolyPhen-2, Align-GVGD) all suggest that this variant is likely to be disruptive. This variant has not been reported in the literature in individuals affected with SYNE1-related conditions. This variant is not present in population databases (gnomAD no frequency). This sequence change replaces aspartic acid, which is acidic and polar, with valine, which is neutral and non-polar, at codon 7460 of the SYNE1 protein (p.Asp7460Val).